The following is an entry in ClinVar:

NM_001130823.3(DNMT1):c.844G>A (p.Ala282Thr)

Gene: DNMT1 (DNA methyltransferase 1; minus strand). Cytogenetic location: 19p13.2.
Variant type: single nucleotide variant.
Coding change: c.844G>A on transcript NM_001130823.3 (MANE Select); coding-DNA position 844, G replaced by A.
Protein change: p.Ala282Thr; replaces alanine 282 with threonine.
Molecular consequence: missense variant.
Genome position (GRCh38, 1-based): chr19:10,166,645, C>T on the plus strand (G>A on the coding strand, the complement: DNMT1 is on the minus strand). VCF-style: chr19-10166645-C-T. GRCh37 (hg19) VCF-style: chr19-10277321-C-T.
Other names: c.796G>A, p.Ala266Thr (NM_001318730.2, NM_001379.4); c.481G>A, p.Ala161Thr (NM_001318731.2); short protein forms A282T, A161T, A266T.
Identifiers: ClinVar variation 2805242 (VCV002805242.3), dbSNP rs1436304759, ClinGen allele CA403942066.
Genomic context (GRCh38, chr19:10,166,645, plus strand): 5'-AACCCGCCTTTACTTTCTCGTCTCCATCTTCGTCCTCGTCAGCCTGCACGCCTGCCCTGG[C>T]TTCTCTGTCCGGCTCCTCCTTCAGTTTCTGTTTGGGTGTTCTGTCACAGAAGACAACACA-3'
Protein context (NP_001124295.1, residues 272-292): QKLKEEPDRE[Ala282Thr]RAGVQADEDE

ClinVar aggregate classification (germline): Uncertain significance (1 of 4 stars; one submission).

Conditions:
Hereditary sensory neuropathy-deafness-dementia syndrome. Also called: NEUROPATHY, HEREDITARY SENSORY, WITH HEARING LOSS AND DEMENTIA; Hereditary Sensory and Autonomic Neuropathy Type 1E (HSAN1E); HSN IE; Hereditary sensory neuropathy type IE. Identifiers: Orphanet 456318, MedGen C3279885, MONDO:0013584, OMIM 614116.

gnomAD v4.1: 1 of 1,614,220 alleles (0.000062%); highest among the groups gnomAD compares: African/African-American, 0.0013%; no homozygotes.

Submission:

Labcorp Genetics (formerly Invitae), Labcorp
Classification: Uncertain significance for Hereditary sensory neuropathy-deafness-dementia syndrome. Last evaluated: 2022-11-09. Review status: criteria provided, single submitter. Criteria: Invitae Variant Classification Sherloc (09022015). Collection method: clinical testing. Allele origin: germline.
Comment: Algorithms developed to predict the effect of missense changes on protein structure and function output the following: SIFT: "Tolerated"; PolyPhen-2: "Benign"; Align-GVGD: "Class C0". The threonine amino acid residue is found in multiple mammalian species, which suggests that this missense change does not adversely affect protein function. In summary, the available evidence is currently insufficient to determine the role of this variant in disease. Therefore, it has been classified as a Variant of Uncertain Significance. This variant has not been reported in the literature in individuals affected with DNMT1-related conditions. This variant is not present in population databases (gnomAD no frequency). This sequence change replaces alanine, which is neutral and non-polar, with threonine, which is neutral and polar, at codon 282 of the DNMT1 protein (p.Ala282Thr).